The following is an entry in ClinVar:

ClinVar aggregate classification (germline): Likely pathogenic (1 of 4 stars; one submission).

Conditions:
Autosomal recessive limb-girdle muscular dystrophy type 2J (LGMDR10). Also called: Limb-girdle muscular dystrophy, type 2J; MUSCULAR DYSTROPHY, LIMB-GIRDLE, AUTOSOMAL RECESSIVE 10. Identifiers: Orphanet 140922, MedGen C1837342, MONDO:0012127, OMIM 608807.
Dilated cardiomyopathy 1G (CMD1G). Identifiers: Orphanet 154, MedGen C1858763, MONDO:0011400, OMIM 604145.

Submission:

Labcorp Genetics (formerly Invitae), Labcorp
Classification: Likely pathogenic for Dilated cardiomyopathy 1G; Autosomal recessive limb-girdle muscular dystrophy type 2J. Last evaluated: 2022-07-19. Review status: criteria provided, single submitter. Criteria: Invitae Variant Classification Sherloc (09022015). Collection method: clinical testing. Allele origin: germline.
Comment: This premature translational stop signal has been observed in individual(s) with hypertrophic cardiomyopathy (Invitae). This variant is not present in population databases (gnomAD no frequency). This sequence change creates a premature translational stop signal (p.Lys19014Metfs*6) in the TTN gene. While this is not anticipated to result in nonsense mediated decay, it is expected to create a truncated TTN protein. This variant is located in the A band of TTN (PMID: 25589632). Truncating variants in this region are significantly overrepresented in patients affected with dilated cardiomyopathy (PMID: 25589632). Truncating variants in this region have also been reported in individuals affected with autosomal recessive centronuclear myopathy (PMID: 23975875). In summary, the currently available evidence indicates that the variant is pathogenic, but additional data are needed to prove that conclusively. Therefore, this variant has been classified as Likely Pathogenic.

Literature cited by the submitters: PubMed 25589632; PubMed 23975875.

NM_001267550.2(TTN):c.57041_57044del (p.Lys19014fs)

Genes: TTN (titin; minus strand), TTN-AS1 (TTN antisense RNA 1; plus strand). Cytogenetic location: 2q31.2.
Variant type: Deletion.
Coding change: c.57041_57044del on transcript NM_001267550.2 (MANE Select); coding-DNA positions 57041 to 57044, 4 bases deleted (AAGA; older notation c.57041_57044delAAGA).
Protein change: p.Lys19014fs; shifts the reading frame from lysine 19014.
Molecular consequence: frameshift variant. On other transcripts: non-coding transcript variant (1).
Genome position (GRCh38, 1-based): chr2:178,598,573-178,598,576, TCTT deleted on the plus strand (AAGA on the coding strand, the reverse complement: TTN is on the minus strand); deleting any 4 consecutive bases within chr2:178,598,573-178,598,577 gives the same sequence; the c. name uses the placement nearest the transcript's 3' end. VCF-style (leftmost placement, unchanged base first): chr2-178598572-ATCTT-A. GRCh37 (hg19) VCF-style: chr2-179463299-ATCTT-A.
Other names: c.52118_52121del, p.Lys17373fs (NM_001256850.1); c.29846_29849del, p.Lys9949fs (NM_003319.4); c.49337_49340del, p.Lys16446fs (NM_133378.4); c.30221_30224del, p.Lys10074fs (NM_133432.3); c.30422_30425del, p.Lys10141fs (NM_133437.4); short protein forms K9949fs, K16446fs, K10074fs, K10141fs, K17373fs, K19014fs.
Identifiers: ClinVar variation 2018133 (VCV002018133.4), dbSNP rs2469849677, ClinGen allele CA2580064834.